The following is an entry in ClinVar:

ClinVar aggregate classification (germline): Likely benign (0 of 4 stars; one submission).

Conditions:
ANXA11-related disorder. Also called: ANXA11-related condition.

Submission:

PreventionGenetics, part of Exact Sciences
Classification: Likely benign for ANXA11-related condition. Last evaluated: 2024-03-27. Review status: no assertion criteria provided. Collection method: clinical testing. Allele origin: germline.
Comment: This variant is classified as likely benign based on ACMG/AMP sequence variant interpretation guidelines (Richards et al. 2015 PMID: 25741868, with internal and published modifications).

NM_145868.2(ANXA11):c.1245C>G (p.Ser415=)

Genes: ANXA11 (annexin A11; minus strand), LOC126860977 (CDK7 strongly-dependent group 2 enhancer GRCh37_chr10:81917938-81919137; plus strand). Cytogenetic location: 10q22.3.
Variant type: single nucleotide variant.
Coding change: c.1245C>G on transcript NM_145868.2 (MANE Select); coding-DNA position 1245, C replaced by G.
Protein change: p.Ser415=; no amino-acid change (serine 415 retained).
Molecular consequence: synonymous variant.
Genome position (GRCh38, 1-based): chr10:80,159,131, G>C on the plus strand (C>G on the coding strand, the complement: ANXA11 is on the minus strand). VCF-style: chr10-80159131-G-C. GRCh37 (hg19) VCF-style: chr10-81918887-G-C.
Other names: c.1245C>G, p.Ser415= (NM_001157.3, NM_001278407.2, NM_001278408.2 and 1 more transcripts); c.1146C>G, p.Ser382= (NM_001278409.2).
Identifiers: ClinVar variation 3356967 (VCV003356967.1).
Genomic context (GRCh38, chr10:80,159,131, plus strand): 5'-CAGGTGGGCGGCAAACCTGAGACACTTACCCACGGCCAGCATGCCCTCCTCCAGGTCCCC[G>C]GACATCTCCCGGCAGATGCTCTTCTCAATGTCCCGGCCTGTCATTCTCTGGTACTCATTG-3'
Protein context (NP_665875.1, residues 405-425): DIEKSICREM[Ser415=]GDLEEGMLAV